The following is an entry in ClinVar:

ClinVar aggregate classification (germline): Uncertain significance (1 of 4 stars; one submission).

Conditions:
Alstrom syndrome (ALMS). Identifiers: Orphanet 64, MedGen C0268425, MONDO:0008763, OMIM 203800.

Allele frequency attached by ClinVar (database versions not stated): TOPMed below 0.00001; gnomAD 0.00001; gnomAD exomes 0.00001.
gnomAD v4.1: 8 of 768,076 alleles (0.001%); highest among the groups gnomAD compares: South Asian, 0.01%; no homozygotes.

Submission:

Labcorp Genetics (formerly Invitae), Labcorp
Classification: Uncertain significance for Alstrom syndrome. Last evaluated: 2022-06-12. Review status: criteria provided, single submitter. Criteria: Invitae Variant Classification Sherloc (09022015). Collection method: clinical testing. Allele origin: germline.
Comment: This sequence change replaces proline, which is neutral and non-polar, with serine, which is neutral and polar, at codon 3 of the ALMS1 protein (p.Pro3Ser). This variant is present in population databases (no rsID available, gnomAD 0.009%). This variant has not been reported in the literature in individuals affected with ALMS1-related conditions. Experimental studies and prediction algorithms are not available or were not evaluated, and the functional significance of this variant is currently unknown. In summary, the available evidence is currently insufficient to determine the role of this variant in disease. Therefore, it has been classified as a Variant of Uncertain Significance.

NM_001378454.1(ALMS1):c.7C>T (p.Pro3Ser)

Gene: ALMS1 (ALMS1 centrosome and basal body associated protein; plus strand). Cytogenetic location: 2p13.1.
Variant type: single nucleotide variant.
Coding change: c.7C>T on transcript NM_001378454.1 (MANE Select); coding-DNA position 7, C replaced by T.
Protein change: p.Pro3Ser; replaces proline 3 with serine.
Molecular consequence: missense variant.
Genome position (GRCh38, 1-based): chr2:73,385,875, C>T. VCF-style: chr2-73385875-C-T. GRCh37 (hg19) VCF-style: chr2-73613003-C-T.
Other names: c.7C>T, p.Pro3Ser (NM_015120.4); short protein forms P3S.
Identifiers: ClinVar variation 2155414 (VCV002155414.1), dbSNP rs1053425100, ClinGen allele CA50368574.
Genomic context (GRCh38, chr2:73,385,875, plus strand): 5'-CCCCTCCCTCCCCCCCTCCTCCTCCTCCTCTGCCGCCCAGAGCGAGACACCAACATGGAG[C>T]CCGAGGATCTGCCATGGCCGGGCGAGCTGGAGGAGGAGGAGGAGGAGGAGGAGGAGGAGG-3'
Protein context (NP_001365383.1, residues 1-13): ME[Pro3Ser]EDLPWPGELE